The following is an entry in ClinVar:

ClinVar aggregate classification (germline): Conflicting classifications of pathogenicity. Review status: criteria provided, conflicting classifications (1 of 4 stars). 2 submissions from 2 submitters: Uncertain significance (1); Likely benign (1). Last evaluated 2023-11-07.

Conditions:
Inborn genetic diseases. Identifiers: MedGen C0950123, MeSH D030342.

Allele frequency attached by ClinVar (database versions not stated): gnomAD 0.00002; TOPMed 0.00002; gnomAD exomes 0.00006; ExAC 0.00012; 1000 Genomes Project 30x 0.00016; 1000 Genomes Project 0.00020.
gnomAD v4.1: 91 of 1,614,216 alleles (0.0056%); highest among the groups gnomAD compares: South Asian, 0.078%; no homozygotes.

Submissions (2):

Labcorp Genetics (formerly Invitae), Labcorp
Classification: Uncertain significance. Last evaluated: 2023-11-07. Review status: criteria provided, single submitter. Criteria: Invitae Variant Classification Sherloc (09022015). Collection method: clinical testing. Allele origin: germline.
Comment: This sequence change replaces arginine, which is basic and polar, with glutamine, which is neutral and polar, at codon 1376 of the LCT protein (p.Arg1376Gln). This variant is present in population databases (rs536128206, gnomAD 0.09%). This variant has not been reported in the literature in individuals affected with LCT-related conditions. ClinVar contains an entry for this variant (Variation ID: 2171889). Advanced modeling of protein sequence and biophysical properties (such as structural, functional, and spatial information, amino acid conservation, physicochemical variation, residue mobility, and thermodynamic stability) performed at Invitae indicates that this missense variant is not expected to disrupt LCT protein function with a negative predictive value of 80%. In summary, the available evidence is currently insufficient to determine the role of this variant in disease. Therefore, it has been classified as a Variant of Uncertain Significance.

Ambry Genetics
Classification: Likely benign for Inborn genetic diseases. Last evaluated: 2022-06-08. Review status: criteria provided, single submitter. Criteria: Ambry Variant Classification Scheme 2023. Collection method: clinical testing. Allele origin: germline.

NM_002299.4(LCT):c.4127G>A (p.Arg1376Gln)

Gene: LCT (lactase; minus strand). Cytogenetic location: 2q21.3.
Variant type: single nucleotide variant.
Coding change: c.4127G>A on transcript NM_002299.4 (MANE Select); coding-DNA position 4127, G replaced by A.
Protein change: p.Arg1376Gln; replaces arginine 1376 with glutamine.
Molecular consequence: missense variant.
Genome position (GRCh38, 1-based): chr2:135,807,174, C>T on the plus strand (G>A on the coding strand, the complement: LCT is on the minus strand). VCF-style: chr2-135807174-C-T. GRCh37 (hg19) VCF-style: chr2-136564744-C-T.
Other names: short protein forms R1376Q.
Identifiers: ClinVar variation 2171889 (VCV002171889.3), dbSNP rs536128206, ClinGen allele CA1887917.